The following is an entry in ClinVar:

ClinVar aggregate classification (germline): Likely benign (0 of 4 stars; one submission).

Conditions:
TSHZ1-related disorder. Also called: TSHZ1-related condition.

Submission:

PreventionGenetics, part of Exact Sciences
Classification: Likely benign for TSHZ1-related condition. Last evaluated: 2019-04-24. Review status: no assertion criteria provided. Collection method: clinical testing. Allele origin: germline.
Comment: This variant is classified as likely benign based on ACMG/AMP sequence variant interpretation guidelines (Richards et al. 2015 PMID: 25741868, with internal and published modifications).

NM_001308210.2(TSHZ1):c.465C>G (p.Ala155=)

Gene: TSHZ1 (teashirt zinc finger homeobox 1; plus strand). Cytogenetic location: 18q22.3.
Variant type: single nucleotide variant.
Coding change: c.465C>G on transcript NM_001308210.2 (MANE Select); coding-DNA position 465, C replaced by G.
Protein change: p.Ala155=; no amino-acid change (alanine 155 retained).
Molecular consequence: synonymous variant.
Genome position (GRCh38, 1-based): chr18:75,285,872, C>G. VCF-style: chr18-75285872-C-G. GRCh37 (hg19) VCF-style: chr18-72997827-C-G.
Other names: c.330C>G, p.Ala110= (NM_005786.6).
Identifiers: ClinVar variation 3040173 (VCV003040173.2), dbSNP rs2023749496, ClinGen allele CA504568782.
Genomic context (GRCh38, chr18:75,285,872, plus strand): 5'-TTTAAAGAAGTCGGGTTCCACCACCAGCACCAACGATGCCAGCCAGAAGGAGAGCTCCGC[C>G]CCCACCCCCACACCCCCCACCTGCCCCGTCAGCACCACTGGCCCCACCACGAGCACGCCC-3'
Protein context (NP_001295139.1, residues 145-165): TNDASQKESS[Ala155=]PTPTPPTCPV